The following is an entry in ClinVar:

NM_004974.4(KCNA2):c.1256G>A (p.Arg419Gln)

Gene: KCNA2 (potassium voltage-gated channel subfamily A member 2; minus strand). Cytogenetic location: 1p13.3.
Variant type: single nucleotide variant.
Coding change: c.1256G>A on transcript NM_004974.4 (MANE Select); coding-DNA position 1256, G replaced by A.
Protein change: p.Arg419Gln; replaces arginine 419 with glutamine.
Molecular consequence: missense variant. On other transcripts: intron variant (1).
Genome position (GRCh38, 1-based): chr1:110,603,527, C>T on the plus strand (G>A on the coding strand, the complement: KCNA2 is on the minus strand). VCF-style: chr1-110603527-C-T. GRCh37 (hg19) VCF-style: chr1-111146149-C-T.
Other names: c.894+362G>A (NM_001204269.2); short protein forms R419Q.
Identifiers: ClinVar variation 476047 (VCV000476047.13), dbSNP rs1296710118, ClinGen allele CA341601105.

ClinVar aggregate classification (germline): Uncertain significance. Review status: criteria provided, multiple submitters, no conflicts (2 of 4 stars). 2 submissions from 2 submitters: Uncertain significance (2). Last evaluated 2024-02-20.

Conditions:
Developmental and epileptic encephalopathy, 32 (DEE32). Also called: Epileptic encephalopathy, early infantile, 32. Identifiers: Orphanet 442835, MedGen C4225350, MONDO:0014607, OMIM 616366.

Allele frequency attached by ClinVar (database versions not stated): gnomAD 0.00001; gnomAD exomes 0.00001; TOPMed 0.00001.
gnomAD v4.1: 14 of 1,613,912 alleles (0.00087%); highest among the groups gnomAD compares: Non-Finnish European, 0.0011%; no homozygotes.

Submissions (2):

Labcorp Genetics (formerly Invitae), Labcorp
Classification: Uncertain significance for Developmental and epileptic encephalopathy, 32. Last evaluated: 2024-02-20. Review status: criteria provided, single submitter. Criteria: Invitae Variant Classification Sherloc (09022015). Collection method: clinical testing. Allele origin: germline.
Comment: This sequence change replaces arginine, which is basic and polar, with glutamine, which is neutral and polar, at codon 419 of the KCNA2 protein (p.Arg419Gln). This variant is not present in population databases (gnomAD no frequency). This variant has not been reported in the literature in individuals affected with KCNA2-related conditions. ClinVar contains an entry for this variant (Variation ID: 476047). Advanced modeling of protein sequence and biophysical properties (such as structural, functional, and spatial information, amino acid conservation, physicochemical variation, residue mobility, and thermodynamic stability) performed at Invitae indicates that this missense variant is not expected to disrupt KCNA2 protein function with a negative predictive value of 80%. In summary, the available evidence is currently insufficient to determine the role of this variant in disease. Therefore, it has been classified as a Variant of Uncertain Significance.

Revvity Omics, Revvity
Classification: Uncertain significance for Developmental and epileptic encephalopathy, 32. Last evaluated: 2022-05-31. Review status: criteria provided, single submitter. Criteria: ACMG Guidelines, 2015. Collection method: clinical testing. Allele origin: germline.